The following is an entry in ClinVar:

NM_006017.3(PROM1):c.10G>A (p.Val4Ile)

Gene: PROM1 (prominin 1; minus strand). Cytogenetic location: 4p15.32.
Variant type: single nucleotide variant.
Coding change: c.10G>A on transcript NM_006017.3 (MANE Select); coding-DNA position 10, G replaced by A.
Protein change: p.Val4Ile; replaces valine 4 with isoleucine.
Molecular consequence: missense variant.
Genome position (GRCh38, 1-based): chr4:16,075,897, C>T on the plus strand (G>A on the coding strand, the complement: PROM1 is on the minus strand). VCF-style: chr4-16075897-C-T. GRCh37 (hg19) VCF-style: chr4-16077520-C-T.
Other names: c.10G>A, p.Val4Ile (NM_001145847.2, NM_001145848.2, NM_001145849.2 and 6 more transcripts); short protein forms V4I.
Identifiers: ClinVar variation 1489394 (VCV001489394.6), dbSNP rs369512916, ClinGen allele CA2867202.
Genomic context (GRCh38, chr4:16,075,897, plus strand): 5'-AAGGCTGCCCTCCTGAAAAGGAGTTCCCGCACAGCCCCAGCAGCAACAGGGAGCCGAGTA[C>T]GAGGGCCATAGCTAGCAAGATCCTCCAAACATGAGGTAGAACTTGGTGCCTCCTGCCTCA-3'
Protein context (NP_006008.1, residues 1-14): MAL[Val4Ile]LGSLLLLGLC

ClinVar aggregate classification (germline): Uncertain significance (1 of 4 stars; one submission).

Allele frequency attached by ClinVar (database versions not stated): gnomAD exomes 0.00001; TOPMed 0.00001; ExAC 0.00002; gnomAD 0.00002; ESP Exome Variant Server 0.00008.
gnomAD v4.1: 14 of 1,610,330 alleles (0.00087%); highest among the groups gnomAD compares: Admixed American, 0.0017%; no homozygotes.

Submission:

Labcorp Genetics (formerly Invitae), Labcorp
Classification: Uncertain significance. Last evaluated: 2023-10-22. Review status: criteria provided, single submitter. Criteria: Invitae Variant Classification Sherloc (09022015). Collection method: clinical testing. Allele origin: germline.
Comment: This sequence change replaces valine, which is neutral and non-polar, with isoleucine, which is neutral and non-polar, at codon 4 of the PROM1 protein (p.Val4Ile). This variant is present in population databases (rs369512916, gnomAD 0.004%). This variant has not been reported in the literature in individuals affected with PROM1-related conditions. ClinVar contains an entry for this variant (Variation ID: 1489394). Algorithms developed to predict the effect of missense changes on protein structure and function output the following: SIFT: "Not Available"; PolyPhen-2: "Not Available"; Align-GVGD: "Not Available". The isoleucine amino acid residue is found in multiple mammalian species, which suggests that this missense change does not adversely affect protein function. In summary, the available evidence is currently insufficient to determine the role of this variant in disease. Therefore, it has been classified as a Variant of Uncertain Significance.